The following is an entry in ClinVar:

ClinVar aggregate classification (germline): Uncertain significance (1 of 4 stars; one submission).

Conditions:
Nephronophthisis 15 (NPHP15). Identifiers: Orphanet 3156, MedGen C3541853, MONDO:0013917, OMIM 614845.

Allele frequency attached by ClinVar (database versions not stated): gnomAD exomes below 0.00001.
gnomAD v4.1: 1 of 1,613,760 alleles (0.000062%); highest among the groups gnomAD compares: Non-Finnish European, 0.000085%; no homozygotes.

Submission:

Labcorp Genetics (formerly Invitae), Labcorp
Classification: Uncertain significance for Nephronophthisis 15. Last evaluated: 2023-10-03. Review status: criteria provided, single submitter. Criteria: Invitae Variant Classification Sherloc (09022015). Collection method: clinical testing. Allele origin: germline.
Comment: This sequence change replaces leucine, which is neutral and non-polar, with valine, which is neutral and non-polar, at codon 1042 of the CEP164 protein (p.Leu1042Val). This variant is not present in population databases (gnomAD no frequency). This variant has not been reported in the literature in individuals affected with CEP164-related conditions. ClinVar contains an entry for this variant (Variation ID: 2002521). Advanced modeling of protein sequence and biophysical properties (such as structural, functional, and spatial information, amino acid conservation, physicochemical variation, residue mobility, and thermodynamic stability) performed at Invitae indicates that this missense variant is not expected to disrupt CEP164 protein function. In summary, the available evidence is currently insufficient to determine the role of this variant in disease. Therefore, it has been classified as a Variant of Uncertain Significance.

NM_014956.5(CEP164):c.3124C>G (p.Leu1042Val)

Gene: CEP164 (centrosomal protein 164; plus strand). Cytogenetic location: 11q23.3.
Variant type: single nucleotide variant.
Coding change: c.3124C>G on transcript NM_014956.5 (MANE Select); coding-DNA position 3124, C replaced by G.
Protein change: p.Leu1042Val; replaces leucine 1042 with valine.
Molecular consequence: missense variant.
Genome position (GRCh38, 1-based): chr11:117,396,088, C>G. VCF-style: chr11-117396088-C-G. GRCh37 (hg19) VCF-style: chr11-117266804-C-G.
Other names: c.3133C>G, p.Leu1045Val (NM_001271933.2); short protein forms L1042V, L1045V.
Identifiers: ClinVar variation 2002521 (VCV002002521.4), dbSNP rs2542170769, ClinGen allele CA382732941.